The following is an entry in ClinVar:

ClinVar aggregate classification (germline): Conflicting classifications of pathogenicity. Review status: criteria provided, conflicting classifications (1 of 4 stars). 4 submissions from 4 submitters: Uncertain significance (3); Likely benign (1). Last evaluated 2026-09-21.

Conditions:
Supravalvar aortic stenosis (SVAS). Also called: Supravalvar aortic stenosis, Eisenberg type. Identifiers: Orphanet 3193, MedGen C0003499, MONDO:0008504, OMIM 185500, HP:0004381.
Williams syndrome (WBS). Also called: WILLIAMS-BEUREN SYNDROME; CHROMOSOME 7q11.23 DELETION SYNDROME, 1.5- TO 1.8-MB. Identifiers: Orphanet 904, MedGen C0175702, MONDO:0008678, OMIM 194050. Disease mechanism: loss of function.
Cutis laxa, autosomal dominant 1 (ADCL1). Also called: ELN-Related Cutis Laxa. Identifiers: Orphanet 90348, MedGen C3276539, MONDO:0007411, OMIM 123700. Disease mechanism: Dominant Negative.

Allele frequency attached by ClinVar (database versions not stated): gnomAD 0.00007; ESP Exome Variant Server 0.00008; TOPMed 0.00006; gnomAD exomes 0.00003; ExAC 0.00004.
gnomAD v4.1: 35 of 1,608,804 alleles (0.0022%); highest among the groups gnomAD compares: African/African-American, 0.004%; no homozygotes.

Submissions (4):

Molecular Diagnostic Laboratory for Inherited Cardiovascular Disease, Montreal Heart Institute
Classification: Likely benign. Last evaluated: 2026-09-21. Review status: criteria provided, single submitter. Criteria: ACMG Guidelines, 2015. Collection method: clinical testing. Allele origin: germline. Affected: no.
Comment: BS1;BP1

Labcorp Genetics (formerly Invitae), Labcorp
Classification: Uncertain significance for Supravalvar aortic stenosis. Last evaluated: 2024-12-19. Review status: criteria provided, single submitter. Criteria: Invitae Variant Classification Sherloc (09022015). Collection method: clinical testing. Allele origin: germline.
Comment: This sequence change replaces glycine, which is neutral and non-polar, with arginine, which is basic and polar, at codon 135 of the ELN protein (p.Gly135Arg). This variant is present in population databases (rs373650953, gnomAD 0.006%). This variant has not been reported in the literature in individuals affected with ELN-related conditions. ClinVar contains an entry for this variant (Variation ID: 1201791). Invitae Evidence Modeling of protein sequence and biophysical properties (such as structural, functional, and spatial information, amino acid conservation, physicochemical variation, residue mobility, and thermodynamic stability) indicates that this missense variant is not expected to disrupt ELN protein function with a negative predictive value of 80%. In summary, the available evidence is currently insufficient to determine the role of this variant in disease. Therefore, it has been classified as a Variant of Uncertain Significance.

Fulgent Genetics
Classification: Uncertain significance for Cutis laxa, autosomal dominant 1; Supravalvar aortic stenosis; Williams syndrome. Last evaluated: 2022-02-23. Review status: criteria provided, single submitter. Criteria: ACMG Guidelines, 2015. Collection method: clinical testing. Allele origin: unknown.

GeneDx
Classification: Uncertain significance. Last evaluated: 2020-10-14. Review status: criteria provided, single submitter. Criteria: GeneDx Variant Classification Process June 2021. Collection method: clinical testing. Allele origin: germline. Affected: yes.
Comment: Has not been previously published as pathogenic or benign to our knowledge; In silico analysis, which includes protein predictors and evolutionary conservation, supports a deleterious effect

NM_000501.4(ELN):c.403G>A (p.Gly135Arg)

Gene: ELN (elastin; plus strand). Cytogenetic location: 7q11.23.
Variant type: single nucleotide variant.
Coding change: c.403G>A on transcript NM_000501.4 (MANE Select); coding-DNA position 403, G replaced by A.
Protein change: p.Gly135Arg; replaces glycine 135 with arginine.
Molecular consequence: missense variant.
Genome position (GRCh38, 1-based): chr7:74,043,144, G>A. VCF-style: chr7-74043144-G-A. GRCh37 (hg19) VCF-style: chr7-73457474-G-A.
Other names: c.373G>A, p.Gly125Arg (NM_001081752.3, NM_001278917.2, NM_001278918.2); c.418G>A, p.Gly140Arg (NM_001081753.3, NM_001081754.3); c.403G>A, p.Gly135Arg (NM_001081755.3, NM_001278912.2, NM_001278915.2 and 2 more transcripts); c.367G>A, p.Gly123Arg (NM_001278913.2); c.388G>A, p.Gly130Arg (NM_001278914.2); short protein forms G123R, G125R, G130R, G135R, G140R.
Identifiers: ClinVar variation 1201791 (VCV001201791.10), dbSNP rs373650953, ClinGen allele CA4292468.